The following is an entry in ClinVar:

ClinVar aggregate classification (germline): Uncertain significance. Review status: criteria provided, multiple submitters, no conflicts (2 of 4 stars). 2 submissions from 2 submitters: Uncertain significance (2). Last evaluated 2025-10-02.

Conditions:
Inborn genetic diseases. Identifiers: MedGen C0950123, MeSH D030342.

Allele frequency attached by ClinVar (database versions not stated): gnomAD exomes 0.00003 and 0.00008; gnomAD 0.00005; ExAC 0.00006; TOPMed 0.00010.
gnomAD v4.1: 48 of 1,613,922 alleles (0.003%); highest among the groups gnomAD compares: Admixed American, 0.057%; no homozygotes.

Submissions (2):

Labcorp Genetics (formerly Invitae), Labcorp
Classification: Uncertain significance. Last evaluated: 2025-10-02. Review status: criteria provided, single submitter. Criteria: Invitae Variant Classification Sherloc (09022015). Collection method: clinical testing. Allele origin: germline.
Comment: This sequence change replaces tyrosine, which is neutral and polar, with histidine, which is basic and polar, at codon 214 of the SYT2 protein (p.Tyr214His). This variant is present in population databases (rs757723127, gnomAD 0.05%). This variant has not been reported in the literature in individuals affected with SYT2-related conditions. ClinVar contains an entry for this variant (Variation ID: 1494420). Invitae Evidence Modeling of protein sequence and biophysical properties (such as structural, functional, and spatial information, amino acid conservation, physicochemical variation, residue mobility, and thermodynamic stability) indicates that this missense variant is not expected to disrupt SYT2 protein function with a negative predictive value of 80%. In summary, the available evidence is currently insufficient to determine the role of this variant in disease. Therefore, it has been classified as a Variant of Uncertain Significance.

Ambry Genetics
Classification: Uncertain significance for Inborn genetic diseases. Last evaluated: 2021-07-09. Review status: criteria provided, single submitter. Criteria: Ambry Variant Classification Scheme 2023. Collection method: clinical testing. Allele origin: germline.

NM_177402.5(SYT2):c.640T>C (p.Tyr214His)

Gene: SYT2 (synaptotagmin 2; minus strand). Cytogenetic location: 1q32.1.
Variant type: single nucleotide variant.
Coding change: c.640T>C on transcript NM_177402.5 (MANE Select); coding-DNA position 640, T replaced by C.
Protein change: p.Tyr214His; replaces tyrosine 214 with histidine.
Molecular consequence: missense variant.
Genome position (GRCh38, 1-based): chr1:202,602,051, A>G on the plus strand (T>C on the coding strand, the complement: SYT2 is on the minus strand). VCF-style: chr1-202602051-A-G. GRCh37 (hg19) VCF-style: chr1-202571179-A-G.
Other names: c.640T>C, p.Tyr214His (NM_001136504.1); short protein forms Y214H.
Identifiers: ClinVar variation 1494420 (VCV001494420.7), dbSNP rs757723127, ClinGen allele CA1333714.